The following is an entry in ClinVar:

ClinVar aggregate classification (germline): Pathogenic (1 of 4 stars; one submission).

Submission:

GeneDx
Classification: Pathogenic. Last evaluated: 2018-11-23. Review status: criteria provided, single submitter. Criteria: GeneDx Variant Classification (06012015). Collection method: clinical testing. Allele origin: germline. Affected: yes.
Comment: The Y13X variant in the EPB41 gene has not been reported previously as a pathogenic variant nor as a benign variant, to our knowledge. This variant is predicted to cause loss of normal protein function either through protein truncation or nonsense-mediated mRNA decay. The Y13X variant is not observed in large population cohorts (Lek et al., 2016). We interpret Y13X as a pathogenic variant.

NM_001376013.1(EPB41):c.666T>G (p.Tyr222Ter)

Gene: EPB41 (erythrocyte membrane protein band 4.1; plus strand). Cytogenetic location: 1p35.3.
Variant type: single nucleotide variant.
Coding change: c.666T>G on transcript NM_001376013.1 (MANE Select); coding-DNA position 666, T replaced by G.
Protein change: p.Tyr222Ter; replaces tyrosine 222 with a stop codon.
Molecular consequence: nonsense.
Genome position (GRCh38, 1-based): chr1:28,993,527, T>G. VCF-style: chr1-28993527-T-G. GRCh37 (hg19) VCF-style: chr1-29320039-T-G.
Other names: c.666T>G, p.Tyr222Ter (NM_001166005.2, NM_001166006.2, NM_001376014.1 and 8 more transcripts); c.39T>G, p.Tyr13Ter (NM_001166007.2, NM_001376022.1, NM_001376023.1 and 7 more transcripts); short protein forms Y13*, Y222*.
Identifiers: ClinVar variation 620455 (VCV000620455.1), dbSNP rs1557948590, ClinGen allele CA339524652.